The following is an entry in ClinVar:

NM_001080442.3(SLC38A8):c.1205C>T (p.Pro402Leu)

Gene: SLC38A8 (solute carrier family 38 member 8; minus strand). Cytogenetic location: 16q23.3.
Variant type: single nucleotide variant.
Coding change: c.1205C>T on transcript NM_001080442.3 (MANE Select); coding-DNA position 1205, C replaced by T.
Protein change: p.Pro402Leu; replaces proline 402 with leucine.
Molecular consequence: missense variant.
Genome position (GRCh38, 1-based): chr16:84,013,010, G>A on the plus strand (C>T on the coding strand, the complement: SLC38A8 is on the minus strand). VCF-style: chr16-84013010-G-A. GRCh37 (hg19) VCF-style: chr16-84046615-G-A.
Other names: short protein forms P402L.
Identifiers: ClinVar variation 1358576 (VCV001358576.5), dbSNP rs201194139, ClinGen allele CA8199696.

ClinVar aggregate classification (germline): Uncertain significance. Review status: criteria provided, multiple submitters, no conflicts (2 of 4 stars). 3 submissions from 3 submitters: Uncertain significance (3). Last evaluated 2024-11-26.

Allele frequency attached by ClinVar (database versions not stated): 1000 Genomes Project 0.00020; 1000 Genomes Project 30x 0.00031; ESP Exome Variant Server 0.00031; TOPMed 0.00035; gnomAD 0.00039; ExAC 0.00058.
gnomAD v4.1: 916 of 1,614,100 alleles (0.057%); highest among the groups gnomAD compares: Admixed American, 0.075%; 3 homozygotes.

Submissions (3):

Blueprint Genetics
Classification: Uncertain significance. Last evaluated: 2024-11-26. Review status: criteria provided, single submitter. Criteria: ACMG Guidelines, 2015. Collection method: clinical testing. Allele origin: germline.

Labcorp Genetics (formerly Invitae), Labcorp
Classification: Uncertain significance. Last evaluated: 2022-10-17. Review status: criteria provided, single submitter. Criteria: Invitae Variant Classification Sherloc (09022015). Collection method: clinical testing. Allele origin: germline.
Comment: This sequence change replaces proline, which is neutral and non-polar, with leucine, which is neutral and non-polar, at codon 402 of the SLC38A8 protein (p.Pro402Leu). This variant is present in population databases (rs201194139, gnomAD 0.08%), and has an allele count higher than expected for a pathogenic variant. This variant has not been reported in the literature in individuals affected with SLC38A8-related conditions. ClinVar contains an entry for this variant (Variation ID: 1358576). Advanced modeling of protein sequence and biophysical properties (such as structural, functional, and spatial information, amino acid conservation, physicochemical variation, residue mobility, and thermodynamic stability) performed at Invitae indicates that this missense variant is not expected to disrupt SLC38A8 protein function. In summary, the available evidence is currently insufficient to determine the role of this variant in disease. Therefore, it has been classified as a Variant of Uncertain Significance.

Breakthrough Genomics
Classification: Uncertain significance. Review status: criteria provided, single submitter. Criteria: ACMG Guidelines, 2015. Collection method: not provided. Allele origin: germline. Inheritance: Autosomal recessive inheritance. Affected: yes.